The following is an entry in ClinVar:

ClinVar aggregate classification (germline): Uncertain significance (1 of 4 stars; one submission).

Conditions:
Inborn genetic diseases. Identifiers: MedGen C0950123, MeSH D030342.

gnomAD v4.1: 1 of 1,536,656 alleles (0.000065%); highest among the groups gnomAD compares: Non-Finnish European, 0.000087%; no homozygotes.

Submission:

Ambry Genetics
Classification: Uncertain significance for Inborn genetic diseases. Last evaluated: 2020-07-21. Review status: criteria provided, single submitter. Criteria: Ambry Variant Classification Scheme 2023. Collection method: clinical testing. Allele origin: germline.
Comment: The alteration results in an amino acid change:_x000D_ _x000D_ The c.4667C>A (p.T1556K) alteration is located in coding exon 32 of the PIEZO2 gene. This alteration results from a C to A substitution at nucleotide position 4667, causing the threonine (T) at amino acid position 1556 to be replaced by a lysine (K). The alteration is not observed in population databases:_x000D_ _x000D_ Based on data from the Genome Aggregation Database (gnomAD), the PIEZO2 c.4667C>A alteration was not observed, with coverage at this position. The altered amino acid is conserved throughout evolution:_x000D_ _x000D_ The p.T1556 amino acid is conserved in available vertebrate species. The alteration is predicted inconclusive by in silico modeling:_x000D_ _x000D_ The in silico prediction for the p.T1556K alteration is inconclusive. Based on insufficient or conflicting evidence, the clinical significance of this alteration remains unclear.

NM_001378183.1(PIEZO2):c.4742C>A (p.Thr1581Lys)

Gene: PIEZO2 (piezo type mechanosensitive ion channel component 2; minus strand). Cytogenetic location: 18p11.22.
Variant type: single nucleotide variant.
Coding change: c.4742C>A on transcript NM_001378183.1 (MANE Select); coding-DNA position 4742, C replaced by A.
Protein change: p.Thr1581Lys; replaces threonine 1581 with lysine.
Molecular consequence: missense variant.
Genome position (GRCh38, 1-based): chr18:10,736,677, G>T on the plus strand (C>A on the coding strand, the complement: PIEZO2 is on the minus strand). VCF-style: chr18-10736677-G-T. GRCh37 (hg19) VCF-style: chr18-10736675-G-T.
Other names: c.4742C>A, p.Thr1581Lys (NM_001410871.1); c.4667C>A, p.Thr1556Lys (NM_022068.4); short protein forms T1581K, T1556K.
Identifiers: ClinVar variation 2227180 (VCV002227180.2), dbSNP rs181523658, ClinGen allele CA401915527.